The following is an entry in ClinVar:

NM_001004341.2(ETV3L):c.95C>T (p.Ser32Leu)

Gene: ETV3L (ETS variant transcription factor 3 like; minus strand). Cytogenetic location: 1q23.1.
Variant type: single nucleotide variant.
Coding change: c.95C>T on transcript NM_001004341.2 (MANE Select); coding-DNA position 95, C replaced by T.
Protein change: p.Ser32Leu; replaces serine 32 with leucine.
Molecular consequence: missense variant.
Genome position (GRCh38, 1-based): chr1:157,099,342, G>A on the plus strand (C>T on the coding strand, the complement: ETV3L is on the minus strand). VCF-style: chr1-157099342-G-A. GRCh37 (hg19) VCF-style: chr1-157069134-G-A.
Other names: short protein forms S32L.
Identifiers: ClinVar variation 3037420 (VCV003037420.2), dbSNP rs61730132, ClinGen allele CA1173257.

ClinVar aggregate classification (germline): Likely benign (0 of 4 stars; one submission).

Conditions:
ETV3L-related disorder. Also called: ETV3L-related condition.

Allele frequency attached by ClinVar (database versions not stated): 1000 Genomes Project 30x 0.00500; 1000 Genomes Project 0.00519; TOPMed 0.00533; ESP Exome Variant Server 0.00607; gnomAD 0.00660; ExAC 0.00759; gnomAD exomes 0.00888.

Submission:

PreventionGenetics, part of Exact Sciences
Classification: Likely benign for ETV3L-related condition. Last evaluated: 2020-08-12. Review status: no assertion criteria provided. Collection method: clinical testing. Allele origin: germline.
Comment: This variant is classified as likely benign based on ACMG/AMP sequence variant interpretation guidelines (Richards et al. 2015 PMID: 25741868, with internal and published modifications).